The following is an entry in ClinVar:

ClinVar aggregate classification (germline): not provided (0 of 4 stars; one submission).

Allele frequency attached by ClinVar (database versions not stated): 1000 Genomes Project 30x 0.00890; 1000 Genomes Project 0.00958; ESP Exome Variant Server 0.01148; TOPMed 0.01280; gnomAD 0.01297 and 0.01337.
gnomAD v4.1: 20,178 of 1,606,804 alleles (1.3%); highest among the groups gnomAD compares: Admixed American, 2.3%; 170 homozygotes.

Submission:

ITMI
No classification provided. Condition: AllHighlyPenetrant. Last evaluated: 2013-09-19. Review status: no classification provided. Collection method: reference population. Allele origin: germline.
Comment: Please see associated publication for description of ethnicities

Literature cited by the submitters: PubMed 24728327.

NM_003820.4(TNFRSF14):c.348C>T (p.Asn116=)

Gene: TNFRSF14 (TNF receptor superfamily member 14; plus strand). Cytogenetic location: 1p36.32.
Variant type: single nucleotide variant.
Coding change: c.348C>T on transcript NM_003820.4 (MANE Select); coding-DNA position 348, C replaced by T.
Protein change: p.Asn116=; no amino-acid change (asparagine 116 retained).
Molecular consequence: synonymous variant.
Genome position (GRCh38, 1-based): chr1:2,559,866, C>T. VCF-style: chr1-2559866-C-T. GRCh37 (hg19) VCF-style: chr1-2491305-C-T.
Other names: c.348C>T, p.Asn116= (NM_001297605.2).
Identifiers: ClinVar variation 135350 (VCV000135350.1), dbSNP rs2234162, ClinGen allele CA162448.